The following is an entry in ClinVar:

ClinVar aggregate classification (germline): Benign. Review status: criteria provided, multiple submitters, no conflicts (2 of 4 stars). 5 submissions from 5 submitters: Benign (5). Last evaluated 2026-07-01.

Conditions:
Deficiency of ferroxidase (ACEP). Also called: Deficiency of ceruloplasmin; NEURODEGENERATION WITH BRAIN IRON ACCUMULATION 10; Aceruloplasminemia; Ceruloplasmin deficiency; Familial apoceruloplasmin deficiency; Hereditary ceruloplasmin deficiency. Identifiers: Orphanet 48818, MedGen C0878682, MONDO:0011426, OMIM 604290, HP:0025498.

Allele frequency attached by ClinVar (database versions not stated): gnomAD exomes 0.00037 and 0.00095; ExAC 0.00116; TOPMed 0.00407; gnomAD 0.00413 and 0.00437; ESP Exome Variant Server 0.00431; 1000 Genomes Project 0.00479; 1000 Genomes Project 30x 0.00515.
gnomAD v4.1: 1,072 of 1,434,862 alleles (0.075%); highest among the groups gnomAD compares: African/African-American, 1.4%; 11 homozygotes.

Submissions (5):

CeGaT Center for Human Genetics Tuebingen
Classification: Benign. Last evaluated: 2026-07-01. Review status: criteria provided, single submitter. Criteria: CeGaT Center For Human Genetics Tuebingen Variant Classification Criteria Version 2. Collection method: clinical testing. Allele origin: germline. Affected: yes. Observed: 1 variant allele.
Comment: CP: BS1, BS2

Labcorp Genetics (formerly Invitae), Labcorp
Classification: Benign for Deficiency of ferroxidase. Last evaluated: 2026-01-28. Review status: criteria provided, single submitter. Criteria: Invitae Variant Classification Sherloc (09022015). Collection method: clinical testing. Allele origin: germline.

Mayo Clinic Laboratories, Mayo Clinic
Classification: Benign. Last evaluated: 2025-03-25. Review status: criteria provided, single submitter. Criteria: ACMG Guidelines, 2015. Collection method: clinical testing. Allele origin: germline. Observed: 1 variant allele.
Comment: BS1, BS2

GeneDx
Classification: Benign. Last evaluated: 2021-05-12. Review status: criteria provided, single submitter. Criteria: GeneDx Variant Classification Process June 2021. Collection method: clinical testing. Allele origin: germline. Affected: yes.

Illumina Laboratory Services, Illumina
Classification: Benign for Deficiency of ferroxidase. Last evaluated: 2018-01-13. Review status: criteria provided, single submitter. Criteria: ICSL Variant Classification Criteria 13 December 2019. Collection method: clinical testing. Allele origin: germline.
Comment: This variant was observed in the ICSL laboratory as part of a predisposition screen in an ostensibly healthy population. It had not been previously curated by ICSL or reported in the Human Gene Mutation Database (HGMD: prior to June 1st, 2018), and was therefore a candidate for classification through an automated scoring system. Utilizing variant allele frequency, disease prevalence and penetrance estimates, and inheritance mode, an automated score was calculated to assess if this variant is too frequent to cause the disease. Based on the score and internal cut-off values, a variant classified as benign is not then subjected to further curation. The score for this variant resulted in a classification of benign for this disease.

Literature cited by the submitters: PubMed 32019516 (cited by Mayo Clinic Laboratories, Mayo Clinic).

NM_000096.4(CP):c.2525A>G (p.Glu842Gly)

Gene: CP (ceruloplasmin; minus strand). Cytogenetic location: 3q24.
Variant type: single nucleotide variant.
Coding change: c.2525A>G on transcript NM_000096.4 (MANE Select); coding-DNA position 2525, A replaced by G.
Protein change: p.Glu842Gly; replaces glutamic acid 842 with glycine.
Molecular consequence: missense variant. On other transcripts: non-coding transcript variant (1).
Genome position (GRCh38, 1-based): chr3:149,182,034, T>C on the plus strand (A>G on the coding strand, the complement: CP is on the minus strand). VCF-style: chr3-149182034-T-C. GRCh37 (hg19) VCF-style: chr3-148899821-T-C.
Other names: p.Glu842Gly; short protein forms E842G.
Identifiers: ClinVar variation 707265 (VCV000707265.18), dbSNP rs149858116, ClinGen allele CA2660740.